The following is an entry in ClinVar:

NM_005045.4(RELN):c.109T>C (p.Phe37Leu)

Gene: RELN (reelin; minus strand). Cytogenetic location: 7q22.1.
Variant type: single nucleotide variant.
Coding change: c.109T>C on transcript NM_005045.4 (MANE Select); coding-DNA position 109, T replaced by C.
Protein change: p.Phe37Leu; replaces phenylalanine 37 with leucine.
Molecular consequence: missense variant.
Genome position (GRCh38, 1-based): chr7:103,989,248, A>G on the plus strand (T>C on the coding strand, the complement: RELN is on the minus strand). VCF-style: chr7-103989248-A-G. GRCh37 (hg19) VCF-style: chr7-103629695-A-G.
Other names: c.109T>C, p.Phe37Leu (NM_173054.3); short protein forms F37L.
Identifiers: ClinVar variation 2115356 (VCV002115356.4), dbSNP rs1797170618, ClinGen allele CA368931459.

ClinVar aggregate classification (germline): Uncertain significance (1 of 4 stars; one submission).

Conditions:
Norman-Roberts syndrome (LIS2). Also called: Lissencephaly 2 (Norman-Roberts type). Identifiers: Orphanet 89844, MedGen C0796089, MONDO:0009760, OMIM 257320.
Familial temporal lobe epilepsy 7. Identifiers: Orphanet 101046, MedGen C4225327, MONDO:0014639, OMIM 616436.

Submission:

Labcorp Genetics (formerly Invitae), Labcorp
Classification: Uncertain significance for Familial temporal lobe epilepsy 7; Norman-Roberts syndrome. Last evaluated: 2022-03-20. Review status: criteria provided, single submitter. Criteria: Invitae Variant Classification Sherloc (09022015). Collection method: clinical testing. Allele origin: germline.
Comment: In summary, the available evidence is currently insufficient to determine the role of this variant in disease. Therefore, it has been classified as a Variant of Uncertain Significance. Algorithms developed to predict the effect of missense changes on protein structure and function are either unavailable or do not agree on the potential impact of this missense change (SIFT: "Deleterious"; PolyPhen-2: "Possibly Damaging"; Align-GVGD: "Class C0"). This variant has not been reported in the literature in individuals affected with RELN-related conditions. This variant is not present in population databases (gnomAD no frequency). This sequence change replaces phenylalanine, which is neutral and non-polar, with leucine, which is neutral and non-polar, at codon 37 of the RELN protein (p.Phe37Leu).